The following is an entry in ClinVar:

NM_006031.6(PCNT):c.3458G>C (p.Ser1153Thr)

Gene: PCNT (pericentrin; plus strand). Cytogenetic location: 21q22.3.
Variant type: single nucleotide variant.
Coding change: c.3458G>C on transcript NM_006031.6 (MANE Select); coding-DNA position 3458, G replaced by C.
Protein change: p.Ser1153Thr; replaces serine 1153 with threonine.
Molecular consequence: missense variant.
Genome position (GRCh38, 1-based): chr21:46,385,977, G>C. VCF-style: chr21-46385977-G-C. GRCh37 (hg19) VCF-style: chr21-47805892-G-C.
Other names: c.3104G>C, p.Ser1035Thr (NM_001315529.2); short protein forms S1035T, S1153T.
Identifiers: ClinVar variation 4981510 (VCV004981510.1).

ClinVar aggregate classification (germline): Uncertain significance (1 of 4 stars; one submission).

Conditions:
PCNT-related disorder. Also called: PCNT-related condition.

Submission:

PreventionGenetics, part of Exact Sciences
Classification: Uncertain significance for PCNT-related condition. Last evaluated: 2026-09-10. Review status: criteria provided, single submitter. Criteria: ACMG Guidelines, 2015. Collection method: clinical testing. Allele origin: germline.
Comment: The PCNT c.3458G>C variant is predicted to result in the amino acid substitution p.Ser1153Thr. To our knowledge, this variant has not been reported in the literature. This variant is reported in 0.0058% of alleles in individuals of Latino descent in gnomAD. At this time, the clinical significance of this variant is uncertain due to the absence of conclusive functional and genetic evidence.